The following is an entry in ClinVar:

NM_021625.5(TRPV4):c.1625C>G (p.Ser542Cys)

Gene: TRPV4 (transient receptor potential cation channel subfamily V member 4; minus strand). Cytogenetic location: 12q24.11.
Variant type: single nucleotide variant.
Coding change: c.1625C>G on transcript NM_021625.5 (MANE Select); coding-DNA position 1625, C replaced by G.
Protein change: p.Ser542Cys; replaces serine 542 with cysteine.
Molecular consequence: missense variant.
Genome position (GRCh38, 1-based): chr12:109,793,560, G>C on the plus strand (C>G on the coding strand, the complement: TRPV4 is on the minus strand). VCF-style: chr12-109793560-G-C. GRCh37 (hg19) VCF-style: chr12-110231365-G-C.
Other names: c.1484C>G, p.Ser495Cys (NM_001177428.2); c.1523C>G, p.Ser508Cys (NM_001177431.2); c.1304C>G, p.Ser435Cys (NM_001177433.2); c.1445C>G, p.Ser482Cys (NM_147204.3); short protein forms S435C, S482C, S495C, S542C, S508C.
Identifiers: ClinVar variation 1525659 (VCV001525659.6), dbSNP rs387906902, ClinGen allele CA386651602.

ClinVar aggregate classification (germline): Conflicting classifications of pathogenicity. Review status: criteria provided, conflicting classifications (1 of 4 stars). 3 submissions from 3 submitters: Likely pathogenic (1); Uncertain significance (2). Last evaluated 2023-06-25.

Conditions:
Charcot-Marie-Tooth disease axonal type 2C (HMSN2C). Also called: Charcot-Marie-Tooth Disease Type 2, TRPV4-Related (CMT2C); CHARCOT-MARIE-TOOTH DISEASE, AXONAL, AUTOSOMAL DOMINANT, TYPE 2C; Charcot-Marie-Tooth Neuropathy Type 2C. Identifiers: Orphanet 99937, MedGen C1853710, MONDO:0011633, OMIM 606071.
Inborn genetic diseases. Identifiers: MedGen C0950123, MeSH D030342.

Allele frequency attached by ClinVar (database versions not stated): gnomAD exomes below 0.00001.
gnomAD v4.1: 2 of 1,614,058 alleles (0.00012%); highest among the groups gnomAD compares: Non-Finnish European, 0.00017%; no homozygotes.

Submissions (3):

Labcorp Genetics (formerly Invitae), Labcorp
Classification: Likely pathogenic for Charcot-Marie-Tooth disease axonal type 2C. Last evaluated: 2023-06-25. Review status: criteria provided, single submitter. Criteria: Invitae Variant Classification Sherloc (09022015). Collection method: clinical testing. Allele origin: germline.
Comment: In summary, the currently available evidence indicates that the variant is pathogenic, but additional data are needed to prove that conclusively. Therefore, this variant has been classified as Likely Pathogenic. This variant disrupts the p.Ser542 amino acid residue in TRPV4. Other variant(s) that disrupt this residue have been determined to be pathogenic (PMID: 21115951). This suggests that this residue is clinically significant, and that variants that disrupt this residue are likely to be disease-causing. Advanced modeling of protein sequence and biophysical properties (such as structural, functional, and spatial information, amino acid conservation, physicochemical variation, residue mobility, and thermodynamic stability) has been performed at Invitae for this missense variant, however the output from this modeling did not meet the statistical confidence thresholds required to predict the impact of this variant on TRPV4 protein function. ClinVar contains an entry for this variant (Variation ID: 1525659). This variant has not been reported in the literature in individuals affected with TRPV4-related conditions. This variant is present in population databases (no rsID available, gnomAD 0.0009%). This sequence change replaces serine, which is neutral and polar, with cysteine, which is neutral and slightly polar, at codon 542 of the TRPV4 protein (p.Ser542Cys).

GeneDx
Classification: Uncertain significance. Last evaluated: 2023-01-10. Review status: criteria provided, single submitter. Criteria: GeneDx Variant Classification Process June 2021. Collection method: clinical testing. Allele origin: germline. Affected: yes.
Comment: Not observed at significant frequency in large population cohorts (gnomAD); In silico analysis supports that this missense variant has a deleterious effect on protein structure/function; Has not been previously published as pathogenic or benign to our knowledge

Ambry Genetics
Classification: Uncertain significance for Inborn genetic diseases. Last evaluated: 2020-05-13. Review status: criteria provided, single submitter. Criteria: Ambry Variant Classification Scheme 2023. Collection method: clinical testing. Allele origin: germline.
Comment: The p.S542C variant (also known as c.1625C>G), located in coding exon 9 of the TRPV4 gene, results from a C to G substitution at nucleotide position 1625. The serine at codon 542 is replaced by cysteine, an amino acid with dissimilar properties. This amino acid position is highly conserved in available vertebrate species. In addition, this alteration is predicted to be deleterious by in silico analysis. Since supporting evidence is limited at this time, the clinical significance of this alteration remains unclear.

Literature cited by the submitters: PubMed 21115951 (cited by Labcorp Genetics (formerly Invitae), Labcorp).